The following is an entry in ClinVar:

NM_001365088.1(SLC12A6):c.1592-50A>G

Gene: SLC12A6 (solute carrier family 12 member 6; minus strand). Cytogenetic location: 15q14.
Variant type: single nucleotide variant.
Coding change: c.1592-50A>G on transcript NM_001365088.1 (MANE Select); 50 bases into the intron before coding-DNA position 1592, A replaced by G.
Molecular consequence: intron variant.
Genome position (GRCh38, 1-based): chr15:34,250,405, T>C on the plus strand (A>G on the coding strand, the complement: SLC12A6 is on the minus strand). VCF-style: chr15-34250405-T-C. GRCh37 (hg19) VCF-style: chr15-34542606-T-C.
Other names: c.1415-50A>G (NM_001042495.2, NM_001042494.2); c.1565-50A>G (NM_001042496.2); c.1547-50A>G (NM_001042497.2); c.1592-50A>G (NM_133647.2); c.1439-50A>G (NM_005135.2).
Identifiers: ClinVar variation 674028 (VCV000674028.5), dbSNP rs17236791, ClinGen allele CA7464274.

ClinVar aggregate classification (germline): Benign. Review status: criteria provided, multiple submitters, no conflicts (2 of 4 stars). 3 submissions from 3 submitters: Benign (3). Last evaluated 2021-07-10.

Conditions:
Agenesis of the corpus callosum with peripheral neuropathy (ACCPN). Also called: CHARLEVOIX DISEASE; Hereditary Motor and Sensory Neuropathy with Agenesis of the Corpus Callosum; HMSN/ACC; POLYNEUROPATHY, SENSORIMOTOR, WITH OR WITHOUT AGENESIS OF THE CORPUS CALLOSUM. Identifiers: Orphanet 1496, MedGen C0795950, MONDO:0000902, OMIM 218000. Disease mechanism: loss of function.

Allele frequency attached by ClinVar (database versions not stated): 1000 Genomes Project 0.04014; 1000 Genomes Project 30x 0.04201; TOPMed 0.08944; gnomAD 0.09549; ESP Exome Variant Server 0.10648.
gnomAD v4.1: 130,783 of 1,138,522 alleles (11%); highest among the groups gnomAD compares: Non-Finnish European, 14%; 9,046 homozygotes.

Submissions (3):

Genome-Nilou Lab
Classification: Benign for Agenesis of the corpus callosum with peripheral neuropathy. Last evaluated: 2021-07-10. Review status: criteria provided, single submitter. Criteria: ACMG Guidelines, 2015. Collection method: clinical testing. Allele origin: germline. Affected: no.

GeneDx
Classification: Benign. Last evaluated: 2018-06-20. Review status: criteria provided, single submitter. Criteria: GeneDx Variant Classification (06012015). Collection method: clinical testing. Allele origin: germline. Affected: yes.
Comment: This variant is considered likely benign or benign based on one or more of the following criteria: it is a conservative change, it occurs at a poorly conserved position in the protein, it is predicted to be benign by multiple in silico algorithms, and/or has population frequency not consistent with disease.

Breakthrough Genomics
Classification: Benign. Review status: criteria provided, single submitter. Criteria: ACMG Guidelines, 2015. Collection method: not provided. Allele origin: germline. Inheritance: Autosomal recessive inheritance. Affected: yes.